The following is an entry in ClinVar:

NM_178857.6(RP1L1):c.245C>T (p.Thr82Ile)

Gene: RP1L1 (RP1 like 1). Cytogenetic location: 8p23.1.
Variant type: single nucleotide variant.
Coding change: c.245C>T on transcript NM_178857.6 (MANE Select); coding-DNA position 245, C replaced by T.
Protein change: p.Thr82Ile; replaces threonine 82 with isoleucine.
Molecular consequence: missense variant.
Genome position (GRCh38, 1-based): chr8:10,622,957, G>A on the plus strand (C>T on the coding strand, the complement: RP1L1 is on the minus strand). VCF-style: chr8-10622957-G-A. GRCh37 (hg19) VCF-style: chr8-10480467-G-A.
Other names: c.245C>T (NM_178857.5); short protein forms T82I.
Identifiers: ClinVar variation 1923118 (VCV001923118.6), dbSNP rs542538764, ClinGen allele CA4625797.

ClinVar aggregate classification (germline): Uncertain significance. Review status: criteria provided, multiple submitters, no conflicts (2 of 4 stars). 2 submissions from 2 submitters: Uncertain significance (2). Last evaluated 2025-10-06.

Conditions:
RP1L1-related disorder. Also called: RP1L1-related condition.

Allele frequency attached by ClinVar (database versions not stated): TOPMed below 0.00001; ExAC 0.00001; gnomAD 0.00001; gnomAD exomes 0.00001; 1000 Genomes Project 30x 0.00016; 1000 Genomes Project 0.00020.
gnomAD v4.1: 7 of 1,614,094 alleles (0.00043%); highest among the groups gnomAD compares: Admixed American, 0.0017%; no homozygotes.

Submissions (2):

PreventionGenetics, part of Exact Sciences
Classification: Uncertain significance for RP1L1-related condition. Last evaluated: 2025-10-06. Review status: criteria provided, single submitter. Criteria: ACMG Guidelines, 2015. Collection method: clinical testing. Allele origin: germline.
Comment: The RP1L1 c.245C>T variant is predicted to result in the amino acid substitution p.Thr82Ile. To our knowledge, this variant has not been reported in the literature. This variant is reported in 0.0029% of alleles in individuals of Latino descent in gnomAD. At this time, the clinical significance of this variant is uncertain due to the absence of conclusive functional and genetic evidence.

Labcorp Genetics (formerly Invitae), Labcorp
Classification: Uncertain significance. Last evaluated: 2022-02-09. Review status: criteria provided, single submitter. Criteria: Invitae Variant Classification Sherloc (09022015). Collection method: clinical testing. Allele origin: germline.
Comment: The frequency data for this variant in the population databases is considered unreliable, as metrics indicate poor data quality at this position in the gnomAD database. This variant has not been reported in the literature in individuals affected with RP1L1-related conditions. Advanced modeling of protein sequence and biophysical properties (such as structural, functional, and spatial information, amino acid conservation, physicochemical variation, residue mobility, and thermodynamic stability) performed at Invitae indicates that this missense variant is expected to disrupt RP1L1 protein function. In summary, the available evidence is currently insufficient to determine the role of this variant in disease. Therefore, it has been classified as a Variant of Uncertain Significance. This sequence change replaces threonine, which is neutral and polar, with isoleucine, which is neutral and non-polar, at codon 82 of the RP1L1 protein (p.Thr82Ile).